The following is an entry in ClinVar:

NM_006996.3(SLC19A2):c.90_91inv (p.Trp30_Phe31delinsTer)

Genes: SLC19A2 (solute carrier family 19 member 2; minus strand), LOC129931894 (ATAC-STARR-seq lymphoblastoid silent region 1546; plus strand). Cytogenetic location: 1q24.2.
Variant type: Inversion.
Coding change: c.90_91inv on transcript NM_006996.3 (MANE Select).
Protein change: p.Trp30_Phe31delinsTer.
Molecular consequence: nonsense.
Genome position: GRCh38 VCF-style: chr1-169485676-AC-GT. GRCh37 (hg19) VCF-style: chr1-169454914-AC-GT.
Other names: c.90_91inv, p.Trp30_Phe31delinsTer (NM_001319667.1).
Identifiers: ClinVar variation 2792939 (VCV002792939.3), ClinGen allele CA2739275382.

ClinVar aggregate classification (germline): Pathogenic (1 of 4 stars; one submission).

Submission:

Labcorp Genetics (formerly Invitae), Labcorp
Classification: Pathogenic. Last evaluated: 2023-07-12. Review status: criteria provided, single submitter. Criteria: Invitae Variant Classification Sherloc (09022015). Collection method: clinical testing. Allele origin: germline.
Comment: This sequence change creates a premature translational stop signal (p.Trp30*) in the SLC19A2 gene. It is expected to result in an absent or disrupted protein product. Loss-of-function variants in SLC19A2 are known to be pathogenic (PMID: 10391221, 10391223, 10874303). Information on the frequency of this variant in the gnomAD database is not available, as this variant may be reported differently in the database. This premature translational stop signal has been observed in individual(s) with thiamine-responsive megaloblastic anemia syndrome (PMID: 29450569). For these reasons, this variant has been classified as Pathogenic.

Literature cited by the submitters: PubMed 10391221; PubMed 10391223; PubMed 10874303; PubMed 29450569.